The following is an entry in ClinVar:

ClinVar aggregate classification (germline): Pathogenic. Review status: criteria provided, multiple submitters, no conflicts (2 of 4 stars). 6 submissions from 6 submitters: Pathogenic (5). 1 of the submissions does not count toward it. Last evaluated 2025-12-03.

Conditions:
Primary dilated cardiomyopathy (DCM). Also called: Dilated Cardiomyopathy. Identifiers: Orphanet 217604, MedGen C0007193, MeSH D002311, MONDO:0005021, HP:0001644. Inheritance: Various modes of inheritance.
Cardiovascular phenotype. Identifiers: MedGen CN230736.
Charcot-Marie-Tooth disease type 2. Also called: Charcot-Marie-Tooth type 2. Identifiers: Orphanet 64746, MedGen C0270914, MONDO:0018993.
LMNA-related disorder. Also called: LMNA-related condition; LMNA-related disease; LMNA-related disorders. Identifiers: MedGen CN380145.

Submissions (6):

Labcorp Genetics (formerly Invitae), Labcorp
Classification: Pathogenic for Charcot-Marie-Tooth disease type 2. Last evaluated: 2025-12-03. Review status: criteria provided, single submitter. Criteria: Invitae Variant Classification Sherloc (09022015). Collection method: clinical testing. Allele origin: germline.
Comment: This sequence change replaces glutamic acid, which is acidic and polar, with lysine, which is basic and polar, at codon 82 of the LMNA protein (p.Glu82Lys). This variant is not present in population databases (gnomAD no frequency). This missense change has been observed in individual(s) with dilated cardiomyopathy (DCM) and atrioventricular (AV) block (PMID: 16630578, 20155465). It has also been observed to segregate with disease in related individuals. ClinVar contains an entry for this variant (Variation ID: 66882). Invitae Evidence Modeling of protein sequence and biophysical properties (such as structural, functional, and spatial information, amino acid conservation, physicochemical variation, residue mobility, and thermodynamic stability) indicates that this missense variant is expected to disrupt LMNA protein function with a positive predictive value of 95%. Experimental studies have shown that this missense change affects LMNA function (PMID: 20497714, 21151901). For these reasons, this variant has been classified as Pathogenic.

Ambry Genetics
Classification: Pathogenic for Cardiovascular phenotype. Last evaluated: 2025-03-20. Review status: criteria provided, single submitter. Criteria: Ambry Variant Classification Scheme 2023. Collection method: clinical testing. Allele origin: germline.
Comment: The p.E82K pathogenic mutation (also known as c.244G>A), located in coding exon 1 of the LMNA gene, results from a G to A substitution at nucleotide position 244. The glutamic acid at codon 82 is replaced by lysine, an amino acid with similar properties. This variant was identified in one or more individuals with features consistent with dilated cardiomyopathy and/or cardiac conduction system disease and segregated with disease in at least one family (Wang H et al. Zhonghua Xin Xue Guan Bing Za Zhi, 2007 Jan;35:21-3; Wu X et al. J Huazhong Univ Sci Technolog Med Sci, 2010 Feb;30:103-7; Lin XF et al. Mol Med Rep, 2018 Nov;18:4271-4280; Tassetti L et al. Circ Arrhythm Electrophysiol, 2021 Dec;14:e010562). An animal model expressing this variant exhibited phenotype(s) consistent with dilated cardiomyopathy (Lu D et al. PLoS One, 2010 Dec;5:e15167). This amino acid position is highly conserved in available vertebrate species. In addition, this alteration is predicted to be deleterious by in silico analysis. This variant is considered to be rare based on population cohorts in the Genome Aggregation Database (gnomAD). Based on the supporting evidence, this variant is interpreted as a disease-causing mutation.

Blueprint Genetics
Classification: Pathogenic for LMNA-related disorders. Last evaluated: 2024-05-17. Review status: criteria provided, single submitter. Criteria: ACMG Guidelines, 2015. Collection method: clinical testing. Allele origin: germline. Affected: yes. Observed: 4 variant alleles.

GeneDx
Classification: Pathogenic. Last evaluated: 2015-03-30. Review status: criteria provided, single submitter. Criteria: GeneDx Variant Classification (06012015). Collection method: clinical testing. Allele origin: germline. Affected: yes.
Comment: The E82K mutation was reported to segregate with DCM and atrial ventricular block in eight individuals from two Chinese families (Wang et al., 2006; Wu et al., 2010). E82K was not observed in approximately 6500 individuals of European and African American ancestry in the NHLBI Exome Sequencing Project, indicating it is not a common benign variant in these populations. In vitro studies showed E82K significantly reduced expression and altered localization of connexin 43 (Sun et al., 2010). Studies in transgenic mice showed E82K activates the FAS and mitochondrial pathways of apoptosis in heart tissue (Lu et al., 2010). E82K is a non-conservative amino acid substitution, which is likely to impact secondary protein structure as these residues differ in polarity, charge, size and/or other properties. This substitution occurs at a position that is conserved across species. In silico analysis predicts this variant is probably damaging to the protein structure/function. Missense mutations in nearby residues (R72L, R72C, L85R, R89L) have been reported in the Human Gene Mutation Database in association with cardiomyopathy (Stenson et al., 2014), supporting the functional importance of this region of the protein.

Laboratory for Molecular Medicine, Mass General Brigham Personalized Medicine
Classification: Pathogenic for Primary dilated cardiomyopathy. Last evaluated: 2013-09-06. Review status: criteria provided, single submitter. Criteria: LMM Criteria. Collection method: clinical testing. Allele origin: germline. Inheritance: Autosomal dominant inheritance. Observed: 1 variant allele.
Comment: The Glu82Lys variant in LMNA has been reported in at least 2 families with DCM a nd conduction system abnormalities, and segregated with disease in 8 affected re latives (Wang 2006, Wu 2010). It has not been identified in large population stu dies. Functional studies (in vitro) suggest an effect on protein function and mi ce carrying the variant exhibited clinical features of DCM (Wang 2006, Lu 2010, Sun 2010). In summary, this variant meets our criteria to be classified as patho genic based upon segregation studies, absence fr om controls, and functional evidence.

Epithelial Biology;  Institute of Medical Biology, Singapore
No classification provided. Review status: no classification provided. Collection method: not provided. Allele origin: not provided. Not counted in ClinVar's aggregate classification.

Literature cited by the submitters: PubMed 16630578 (cited by Labcorp Genetics (formerly Invitae), Labcorp and Laboratory for Molecular Medicine, Mass General Brigham Personalized Medicine); PubMed 20155465 (cited by 3 submitters); PubMed 20497714 (cited by 3 submitters); PubMed 21151901 (cited by 3 submitters); PubMed 17386158 (cited by Ambry Genetics and Laboratory for Molecular Medicine, Mass General Brigham Personalized Medicine); PubMed 30221713 (cited by Ambry Genetics); PubMed 32581210 (cited by Ambry Genetics); PubMed 34814702 (cited by Ambry Genetics); PubMed 34862408 (cited by Ambry Genetics); PubMed 16266469 (cited by Laboratory for Molecular Medicine, Mass General Brigham Personalized Medicine).

NM_170707.4(LMNA):c.244G>A (p.Glu82Lys)

Gene: LMNA (lamin A/C; plus strand). Cytogenetic location: 1q22.
Variant type: single nucleotide variant.
Coding change: c.244G>A on transcript NM_170707.4 (MANE Select); coding-DNA position 244, G replaced by A.
Protein change: p.Glu82Lys; replaces glutamic acid 82 with lysine.
Molecular consequence: missense variant.
Genome position (GRCh38, 1-based): chr1:156,115,162, G>A. VCF-style: chr1-156115162-G-A. GRCh37 (hg19) VCF-style: chr1-156084953-G-A.
Other names: c.244G>A, p.Glu82Lys (NM_001282625.2, NM_001282626.2, NM_005572.4 and 1 more transcripts); short protein forms E82K.
Identifiers: ClinVar variation 66882 (VCV000066882.17), dbSNP rs59270054, ClinGen allele CA017794.